The following is an entry in ClinVar:

ClinVar aggregate classification (germline): Uncertain significance. Review status: criteria provided, single submitter (1 of 4 stars). 2 submissions from 2 submitters: Uncertain significance (1). 1 of the submissions does not count toward it.

Conditions:
Charcot-Marie-Tooth disease. Also called: Charcot-Marie-Tooth Hereditary Neuropathy; Charcot-Marie-Tooth Neuropathy. Identifiers: Orphanet 166, MedGen C0007959, MONDO:0015626.

Submissions (2):

Molecular Genetics Laboratory, London Health Sciences Centre
Classification: Uncertain significance for Charcot-Marie-Tooth disease. Review status: criteria provided, single submitter. Criteria: ACMG Guidelines, 2015. Collection method: clinical testing. Allele origin: germline. Affected: yes.

Northcott Neuroscience Laboratory, ANZAC Research Institute
Classification: Likely pathogenic. Review status: no assertion criteria provided. Collection method: not provided. Allele origin: germline. Not counted in ClinVar's aggregate classification.
Comment: Family L
ClinVar note: Converted during submission from probable-pathogenic to Likely pathogenic.

NM_006158.5(NEFL):c.1007T>C (p.Leu336Pro)

Gene: NEFL (neurofilament light chain; minus strand). Cytogenetic location: 8p21.2.
Variant type: single nucleotide variant.
Coding change: c.1007T>C on transcript NM_006158.5 (MANE Select); coding-DNA position 1007, T replaced by C.
Protein change: p.Leu336Pro; replaces leucine 336 with proline.
Molecular consequence: missense variant.
Genome position (GRCh38, 1-based): chr8:24,955,509, A>G on the plus strand (T>C on the coding strand, the complement: NEFL is on the minus strand). VCF-style: chr8-24955509-A-G. GRCh37 (hg19) VCF-style: chr8-24813023-A-G.
Other names: short protein forms L336P.
Identifiers: ClinVar variation 155737 (VCV000155737.3), dbSNP rs587777881, ClinGen allele CA233074.
Genomic context (GRCh38, chr8:24,955,509, plus strand): 5'-CTGTGTTTCTGGCCGTGCCGCACCTGCATAGCGCTGATGTCGGCGTTCTGCTTGTCCTCC[A>G]GCTCCTGCAGCTGCTTCTCCAGCGCTTCATTCATGCCCCGGCATGCTTCGATTTCCAGGG-3'
Protein context (NP_006149.2, residues 326-346): NEALEKQLQE[Leu336Pro]EDKQNADISA